The following is an entry in ClinVar:

NM_001005361.3(DNM2):c.604G>A (p.Gly202Ser)

Gene: DNM2 (dynamin 2; plus strand). Cytogenetic location: 19p13.2.
Variant type: single nucleotide variant.
Coding change: c.604G>A on transcript NM_001005361.3 (MANE Select); coding-DNA position 604, G replaced by A.
Protein change: p.Gly202Ser; replaces glycine 202 with serine.
Molecular consequence: missense variant.
Genome position (GRCh38, 1-based): chr19:10,777,132, G>A. VCF-style: chr19-10777132-G-A. GRCh37 (hg19) VCF-style: chr19-10887808-G-A.
Other names: c.604G>A, p.Gly202Ser (NM_001005360.3, NM_001005362.3, NM_001190716.2 and 1 more transcripts); short protein forms G202S.
Identifiers: ClinVar variation 4982194 (VCV004982194.1).
Genomic context (GRCh38, chr19:10,777,132, plus strand): 5'-CTTTCCTGGTGGCAGCCTCTGACCTCTGACCTCTGGGCTCTTTCAGGCCTACGGACCATC[G>A]GTGTCATCACCAAGCTTGACCTGATGGACGAGGGCACCGACGCCAGGGACGTCTTGGAGA-3'
Protein context (NP_001005361.1, residues 192-212): EVDPQGLRTI[Gly202Ser]VITKLDLMDE

ClinVar aggregate classification (germline): Uncertain significance (1 of 4 stars; one submission).

Conditions:
DNM2-related disorder. Also called: DNM2-related condition.

Submission:

PreventionGenetics, part of Exact Sciences
Classification: Uncertain significance for DNM2-related condition. Last evaluated: 2025-07-16. Review status: criteria provided, single submitter. Criteria: ACMG Guidelines, 2015. Collection method: clinical testing. Allele origin: germline.
Comment: The DNM2 c.604G>A variant is predicted to result in the amino acid substitution p.Gly202Ser. To our knowledge, this variant has not been reported in the literature or in a large population database (gnomAD), indicating this variant is rare. At this time, the clinical significance of this variant is uncertain due to the absence of conclusive functional and genetic evidence.